The following is an entry in ClinVar:

NM_000890.5(KCNJ5):c.*977T>C

Gene: KCNJ5 (potassium inwardly rectifying channel subfamily J member 5; plus strand). Cytogenetic location: 11q24.3.
Variant type: single nucleotide variant.
Coding change: c.*977T>C on transcript NM_000890.5 (MANE Select); 977 bases downstream of the stop codon, T replaced by C.
Molecular consequence: 3 prime UTR variant.
Genome position (GRCh38, 1-based): chr11:128,917,708, T>C. VCF-style: chr11-128917708-T-C. GRCh37 (hg19) VCF-style: chr11-128787603-T-C.
Other names: c.*977T>C (LRG_333t1, NM_001354169.2).
Identifiers: ClinVar variation 303657 (VCV000303657.6), dbSNP rs181648220, ClinGen allele CA10637902.

ClinVar aggregate classification (germline): Benign (1 of 4 stars; one submission).

Conditions:
Familial hyperaldosteronism type III. Also called: FH III; Familial hyperaldosteronism type 3. Identifiers: Orphanet 251274, MedGen C3838758, MONDO:0013359, OMIM 613677.

Allele frequency attached by ClinVar (database versions not stated): gnomAD 0.00066 and 0.00068; TOPMed 0.00077; 1000 Genomes Project 0.00060; 1000 Genomes Project 30x 0.00078.

Submission:

Illumina Laboratory Services, Illumina
Classification: Benign for Familial hyperaldosteronism type III. Last evaluated: 2018-01-13. Review status: criteria provided, single submitter. Criteria: ICSL Variant Classification Criteria 13 December 2019. Collection method: clinical testing. Allele origin: germline.
Comment: This variant was observed in the ICSL laboratory as part of a predisposition screen in an ostensibly healthy population. It had not been previously curated by ICSL or reported in the Human Gene Mutation Database (HGMD: prior to June 1st, 2018), and was therefore a candidate for classification through an automated scoring system. Utilizing variant allele frequency, disease prevalence and penetrance estimates, and inheritance mode, an automated score was calculated to assess if this variant is too frequent to cause the disease. Based on the score and internal cut-off values, a variant classified as benign is not then subjected to further curation. The score for this variant resulted in a classification of benign for this disease.